The following is an entry in ClinVar:

ClinVar aggregate classification (germline): Uncertain significance (1 of 4 stars; one submission).

Conditions:
Charcot-Marie-Tooth disease axonal type 2L. Also called: Charcot-Marie-Tooth Neuropathy Type 2L; CHARCOT-MARIE-TOOTH DISEASE, AXONAL, AUTOSOMAL DOMINANT, TYPE 2L; CHARCOT-MARIE-TOOTH NEUROPATHY, AXONAL, TYPE 2L. Identifiers: Orphanet 99945, MedGen C1837552, MONDO:0012096, OMIM 608673.

Allele frequency attached by ClinVar (database versions not stated): TOPMed below 0.00001.
gnomAD v4.1: 2 of 1,613,488 alleles (0.00012%); highest among the groups gnomAD compares: Non-Finnish European, 0.00017%; no homozygotes.

Submission:

Labcorp Genetics (formerly Invitae), Labcorp
Classification: Uncertain significance for Charcot-Marie-Tooth disease axonal type 2L. Last evaluated: 2019-10-22. Review status: criteria provided, single submitter. Criteria: Invitae Variant Classification Sherloc (09022015). Collection method: clinical testing. Allele origin: germline.
Comment: Algorithms developed to predict the effect of missense changes on protein structure and function are either unavailable or do not agree on the potential impact of this missense change (SIFT: "Tolerated"; PolyPhen-2: "Possibly Damaging"; Align-GVGD: "Class C0"). This sequence change replaces valine with methionine at codon 81 of the HSPB8 protein (p.Val81Met). The valine residue is moderately conserved and there is a small physicochemical difference between valine and methionine. This variant is not present in population databases (ExAC no frequency). This variant has not been reported in the literature in individuals with HSPB8-related conditions. In summary, the available evidence is currently insufficient to determine the role of this variant in disease. Therefore, it has been classified as a Variant of Uncertain Significance.

NM_014365.3(HSPB8):c.241G>A (p.Val81Met)

Gene: HSPB8 (heat shock protein family B (small) member 8; plus strand). Cytogenetic location: 12q24.23.
Variant type: single nucleotide variant.
Coding change: c.241G>A on transcript NM_014365.3 (MANE Select); coding-DNA position 241, G replaced by A.
Protein change: p.Val81Met; replaces valine 81 with methionine.
Molecular consequence: missense variant.
Genome position (GRCh38, 1-based): chr12:119,179,553, G>A. VCF-style: chr12-119179553-G-A. GRCh37 (hg19) VCF-style: chr12-119617358-G-A.
Other names: short protein forms V81M.
Identifiers: ClinVar variation 935165 (VCV000935165.9), dbSNP rs767880226, ClinGen allele CA244334872.
Genomic context (GRCh38, chr12:119,179,553, plus strand): 5'-CCAGGCACCCTAAGGTCGGGCATGGTGCCCCGGGGCCCCACTGCCACCGCCAGGTTTGGG[G>A]TGCCTGCCGAGGGCAGGACCCCCCCACCCTTCCCTGGGGAGCCCTGGAAAGTGTGTGTGA-3'
Protein context (NP_055180.1, residues 71-91): RGPTATARFG[Val81Met]PAEGRTPPPF